The following is an entry in ClinVar:

NM_001282225.2(ADA2):c.329C>T (p.Ala110Val)

Gene: ADA2 (adenosine deaminase 2; minus strand). Cytogenetic location: 22q11.1.
Variant type: single nucleotide variant.
Coding change: c.329C>T on transcript NM_001282225.2 (MANE Select); coding-DNA position 329, C replaced by T.
Protein change: p.Ala110Val; replaces alanine 110 with valine.
Molecular consequence: missense variant. On other transcripts: 5 prime UTR variant (1).
Genome position (GRCh38, 1-based): chr22:17,207,284, G>A on the plus strand (C>T on the coding strand, the complement: ADA2 is on the minus strand). VCF-style: chr22-17207284-G-A. GRCh37 (hg19) VCF-style: chr22-17688174-G-A.
Other names: c.329C>T, p.Ala110Val (NM_001282226.2); c.203C>T, p.Ala68Val (NM_001282227.2, NM_001282228.2); c.-32C>T (NM_001282229.2); short protein forms A110V, A68V.
Identifiers: ClinVar variation 2190681 (VCV002190681.4), dbSNP rs771100217, ClinGen allele CA10088265.

ClinVar aggregate classification (germline): Uncertain significance (1 of 4 stars; one submission).

Conditions:
Deficiency of adenosine deaminase 2. Also called: Polyarteritis nodosa, childhoood-onset; Adenosine Deaminase 2 Deficiency; VASCULITIS, AUTOINFLAMMATION, IMMUNODEFICIENCY, AND HEMATOLOGIC DEFECTS SYNDROME. Identifiers: Orphanet 404553, MedGen C3887654, MONDO:0014306, OMIM 615688, MONDO:0100317.

Allele frequency attached by ClinVar (database versions not stated): ExAC 0.00001; gnomAD 0.00001; gnomAD exomes 0.00001.
gnomAD v4.1: 5 of 1,603,498 alleles (0.00031%); highest among the groups gnomAD compares: Admixed American, 0.0067%; no homozygotes.

Submission:

Labcorp Genetics (formerly Invitae), Labcorp
Classification: Uncertain significance for Deficiency of adenosine deaminase 2. Last evaluated: 2022-01-19. Review status: criteria provided, single submitter. Criteria: Invitae Variant Classification Sherloc (09022015). Collection method: clinical testing. Allele origin: germline.
Comment: This sequence change replaces alanine, which is neutral and non-polar, with valine, which is neutral and non-polar, at codon 110 of the ADA2 protein (p.Ala110Val). This variant is present in population databases (rs771100217, gnomAD 0.006%). This variant has not been reported in the literature in individuals affected with ADA2-related conditions. Algorithms developed to predict the effect of missense changes on protein structure and function (SIFT, PolyPhen-2, Align-GVGD) all suggest that this variant is likely to be tolerated. In summary, the available evidence is currently insufficient to determine the role of this variant in disease. Therefore, it has been classified as a Variant of Uncertain Significance.